The following is an entry in ClinVar:

ClinVar aggregate classification (germline): Conflicting classifications of pathogenicity. Review status: criteria provided, conflicting classifications (1 of 4 stars). 3 submissions from 3 submitters: Uncertain significance (1); Likely benign (1). 1 of the submissions does not count toward it. Last evaluated 2025-12-09.

Conditions:
Cardiomyopathy (CMYO). Also called: Cardiomyopathies. Identifiers: Orphanet 167848, MedGen C0878544, MONDO:0004994, HP:0001638. Inheritance: Various modes of inheritance.
Duchenne muscular dystrophy (DMD). Also called: MUSCULAR DYSTROPHY, PSEUDOHYPERTROPHIC PROGRESSIVE, DUCHENNE TYPE; Duchenne Muscular Dystrophy (DMD). Identifiers: Orphanet 98896, MedGen C0013264, MONDO:0010679, OMIM 310200.
Becker muscular dystrophy (BMD). Also called: MUSCULAR DYSTROPHY, PSEUDOHYPERTROPHIC PROGRESSIVE, BECKER TYPE; Becker Muscular Dystrophy (BMD). Identifiers: Orphanet 98895, MedGen C0917713, MONDO:0010311, OMIM 300376.
Dystrophin deficiency.
Cardiovascular phenotype. Identifiers: MedGen CN230736.

Allele frequency attached by ClinVar (database versions not stated): gnomAD 0.00002; gnomAD exomes 0.00002 and 0.00009; TOPMed 0.00002.
gnomAD v4.1: 100 of 1,208,540 alleles (0.0083%); highest among the groups gnomAD compares: Non-Finnish European, 0.011%; no homozygotes.

Submissions (3):

Labcorp Genetics (formerly Invitae), Labcorp
Classification: Likely benign for Duchenne muscular dystrophy. Last evaluated: 2025-12-09. Review status: criteria provided, single submitter. Criteria: Invitae Variant Classification Sherloc (09022015). Collection method: clinical testing. Allele origin: germline.

Ambry Genetics
Classification: Uncertain significance for Cardiovascular phenotype. Last evaluated: 2023-04-06. Review status: criteria provided, single submitter. Criteria: Ambry Variant Classification Scheme 2023. Collection method: clinical testing. Allele origin: germline.
Comment: The p.H269Q variant (also known as c.807T>A), located in coding exon 8 of the DMD gene, results from a T to A substitution at nucleotide position 807. The histidine at codon 269 is replaced by glutamine, an amino acid with highly similar properties. Based on data from gnomAD, the A allele has an overall frequency of 0.0022% (4/182915) total alleles studied, with 2 hemizygote(s) observed. The highest observed frequency was 0.0037% (3/81500) of European (non-Finnish) alleles. This amino acid position is not well conserved in available vertebrate species. In addition, this alteration is predicted to be tolerated by in silico analysis. Since supporting evidence is limited at this time, the clinical significance of this alteration remains unclear.

Natera, Inc.
Classification: Uncertain significance for Becker muscular dystrophy; Cardiomyopathy; Duchenne muscular dystrophy; Dystrophin deficiency. Last evaluated: 2020-07-12. Review status: no assertion criteria provided. Collection method: clinical testing. Allele origin: germline. Not counted in ClinVar's aggregate classification.

NM_004006.3(DMD):c.807T>A (p.His269Gln)

Gene: DMD (dystrophin; minus strand). Cytogenetic location: Xp21.1.
Variant type: single nucleotide variant.
Coding change: c.807T>A on transcript NM_004006.3 (MANE Select); coding-DNA position 807, T replaced by A.
Protein change: p.His269Gln; replaces histidine 269 with glutamine.
Molecular consequence: missense variant.
Genome position (GRCh38, 1-based): chrX:32,699,136, A>T on the plus strand (T>A on the coding strand, the complement: DMD is on the minus strand). VCF-style: chrX-32699136-A-T. GRCh37 (hg19) VCF-style: chrX-32717253-A-T.
Other names: c.783T>A, p.His261Gln (NM_000109.4); c.795T>A, p.His265Gln (NM_004009.3); c.438T>A, p.His146Gln (NM_004010.3); short protein forms H269Q, H265Q, H146Q, H261Q.
Identifiers: ClinVar variation 640067 (VCV000640067.9), dbSNP rs1038213947, ClinGen allele CA328553819.